The following is an entry in ClinVar:

NM_001040108.2(MLH3):c.556T>A (p.Ser186Thr)

Gene: MLH3 (mutL homolog 3; minus strand). Cytogenetic location: 14q24.3.
Variant type: single nucleotide variant.
Coding change: c.556T>A on transcript NM_001040108.2 (MANE Select); coding-DNA position 556, T replaced by A.
Protein change: p.Ser186Thr; replaces serine 186 with threonine.
Molecular consequence: missense variant.
Genome position (GRCh38, 1-based): chr14:75,049,100, A>T on the plus strand (T>A on the coding strand, the complement: MLH3 is on the minus strand). VCF-style: chr14-75049100-A-T. GRCh37 (hg19) VCF-style: chr14-75515803-A-T.
Other names: c.556T>A, p.Ser186Thr (NM_014381.3); short protein forms S186T.
Identifiers: ClinVar variation 1748367 (VCV001748367.2), dbSNP rs777732912, ClinGen allele CA7276010.

ClinVar aggregate classification (germline): Uncertain significance (1 of 4 stars; one submission).

Allele frequency attached by ClinVar (database versions not stated): gnomAD exomes below 0.00001; ExAC 0.00001.
gnomAD v4.1: 1 of 1,614,168 alleles (0.000062%); highest among the groups gnomAD compares: Non-Finnish European, 0.000085%; no homozygotes.

Submission:

Ambry Genetics
Classification: Uncertain significance. Last evaluated: 2021-07-28. Review status: criteria provided, single submitter. Criteria: Ambry Variant Classification Scheme 2023. Collection method: clinical testing. Allele origin: germline.
Comment: The p.S186T variant (also known as c.556T>A), located in coding exon 1 of the MLH3 gene, results from a T to A substitution at nucleotide position 556. The serine at codon 186 is replaced by threonine, an amino acid with similar properties. This amino acid position is conserved. In addition, the in silico prediction for this alteration is inconclusive. Since supporting evidence is limited at this time, the clinical significance of this alteration remains unclear.